The following is an entry in ClinVar:

ClinVar aggregate classification (germline): Uncertain significance (1 of 4 stars; one submission).

Submission:

Labcorp Genetics (formerly Invitae), Labcorp
Classification: Uncertain significance. Last evaluated: 2024-03-18. Review status: criteria provided, single submitter. Criteria: Invitae Variant Classification Sherloc (09022015). Collection method: clinical testing. Allele origin: germline.
Comment: This sequence change replaces valine, which is neutral and non-polar, with isoleucine, which is neutral and non-polar, at codon 165 of the COLGALT1 protein (p.Val165Ile). This variant is not present in population databases (gnomAD no frequency). This variant has not been reported in the literature in individuals affected with COLGALT1-related conditions. Advanced modeling of protein sequence and biophysical properties (such as structural, functional, and spatial information, amino acid conservation, physicochemical variation, residue mobility, and thermodynamic stability) performed at Invitae indicates that this missense variant is not expected to disrupt COLGALT1 protein function with a negative predictive value of 80%. In summary, the available evidence is currently insufficient to determine the role of this variant in disease. Therefore, it has been classified as a Variant of Uncertain Significance.

NM_024656.4(COLGALT1):c.493G>A (p.Val165Ile)

Gene: COLGALT1 (collagen beta(1-O)galactosyltransferase 1; plus strand). Cytogenetic location: 19p13.11.
Variant type: single nucleotide variant.
Coding change: c.493G>A on transcript NM_024656.4 (MANE Select); coding-DNA position 493, G replaced by A.
Protein change: p.Val165Ile; replaces valine 165 with isoleucine.
Molecular consequence: missense variant.
Genome position (GRCh38, 1-based): chr19:17,567,409, G>A. VCF-style: chr19-17567409-G-A. GRCh37 (hg19) VCF-style: chr19-17678218-G-A.
Other names: short protein forms V165I.
Identifiers: ClinVar variation 3645237 (VCV003645237.2).
Genomic context (GRCh38, chr19:17,567,409, plus strand): 5'-TCTGAATGGTAGCCTGACCTGGCAGCCCATGCTGATGCTTTGTGGGGTGTTCTGCAGTTT[G>A]TAGATGCGGACAACCTGATCCTCAACCCTGACACACTGAGCCTGCTCATCGCTGAGAACA-3'
Protein context (NP_078932.2, residues 155-175): RDMWADYILF[Val165Ile]DADNLILNPD